The following is an entry in ClinVar:

NM_006739.4(MCM5):c.922C>T (p.Arg308Cys)

Gene: MCM5 (minichromosome maintenance complex component 5; plus strand). Cytogenetic location: 22q12.3.
Variant type: single nucleotide variant.
Coding change: c.922C>T on transcript NM_006739.4 (MANE Select); coding-DNA position 922, C replaced by T.
Protein change: p.Arg308Cys; replaces arginine 308 with cysteine.
Molecular consequence: missense variant.
Genome position (GRCh38, 1-based): chr22:35,412,512, C>T. VCF-style: chr22-35412512-C-T. GRCh37 (hg19) VCF-style: chr22-35808505-C-T.
Other names: short protein forms R308C.
Identifiers: ClinVar variation 1980528 (VCV001980528.4), dbSNP rs746419329, ClinGen allele CA10205215.

ClinVar aggregate classification (germline): Uncertain significance (1 of 4 stars; one submission).

Allele frequency attached by ClinVar (database versions not stated): gnomAD 0.00005; ExAC 0.00007; TOPMed 0.00008.
gnomAD v4.1: 68 of 1,546,428 alleles (0.0044%); highest among the groups gnomAD compares: East Asian, 0.031%; no homozygotes.

Submission:

Labcorp Genetics (formerly Invitae), Labcorp
Classification: Uncertain significance. Last evaluated: 2022-04-30. Review status: criteria provided, single submitter. Criteria: Invitae Variant Classification Sherloc (09022015). Collection method: clinical testing. Allele origin: germline.
Comment: This variant is present in population databases (rs746419329, gnomAD 0.06%). In summary, the available evidence is currently insufficient to determine the role of this variant in disease. Therefore, it has been classified as a Variant of Uncertain Significance. Algorithms developed to predict the effect of missense changes on protein structure and function (SIFT, PolyPhen-2, Align-GVGD) all suggest that this variant is likely to be tolerated. This variant has not been reported in the literature in individuals affected with MCM5-related conditions. This sequence change replaces arginine, which is basic and polar, with cysteine, which is neutral and slightly polar, at codon 308 of the MCM5 protein (p.Arg308Cys).